The following is an entry in ClinVar:

NM_000179.3(MSH6):c.2665dup (p.Gln889fs)

Gene: MSH6 (mutS homolog 6; plus strand). Cytogenetic location: 2p16.3.
Variant type: Duplication.
Coding change: c.2665dup on transcript NM_000179.3 (MANE Select); coding-DNA position 2665, one base duplicated (C; older notation c.2665dupC).
Protein change: p.Gln889fs; shifts the reading frame from glutamine 889.
Molecular consequence: frameshift variant.
Genome position (GRCh38, 1-based): chr2:47,800,648, C duplicated. VCF-style (leftmost placement, unchanged base first): chr2-47800647-G-GC. GRCh37 (hg19) VCF-style: chr2-48027786-G-GC.
Other names: c.2665dupC (NM_000179.2); c.2275dup, p.Gln759fs (NM_001281492.2); c.1759dup, p.Gln587fs (NM_001281493.2, NM_001281494.2); short protein forms Q587fs, Q759fs, Q889fs.
Identifiers: ClinVar variation 422855 (VCV000422855.4), dbSNP rs1553413985, ClinGen allele CA16617679.

ClinVar aggregate classification (germline): Pathogenic. Review status: criteria provided, multiple submitters, no conflicts (2 of 4 stars). 3 submissions from 3 submitters: Pathogenic (3). Last evaluated 2026-04-24.

Conditions:
Hereditary cancer-predisposing syndrome. Also called: Hereditary Cancer Syndrome; Tumor predisposition; Hereditary neoplastic syndrome; Neoplastic Syndromes, Hereditary. Identifiers: Orphanet 140162, MedGen C0027672, MeSH D009386, MONDO:0015356.
Lynch syndrome 5 (LYNCH5). Also called: Hereditary non-polyposis colorectal cancer, type 5; Colorectal cancer, hereditary nonpolyposis, type 5. Identifiers: Orphanet 144, MedGen C1833477, MONDO:0013710, OMIM 614350. Disease mechanism: loss of function.

Submissions (3):

Ambry Genetics
Classification: Pathogenic for Hereditary cancer-predisposing syndrome. Last evaluated: 2026-04-24. Review status: criteria provided, single submitter. Criteria: Ambry Variant Classification Scheme 2023. Collection method: clinical testing. Allele origin: germline.
Comment: The c.2665dupC pathogenic mutation, located in coding exon 4 of the MSH6 gene, results from a duplication of C at nucleotide position 2665, causing a translational frameshift with a predicted alternate stop codon (p.Q889Pfs*11). This variant is considered to be rare based on population cohorts in the Genome Aggregation Database (gnomAD). This alteration is expected to result in loss of function by premature protein truncation or nonsense-mediated mRNA decay. As such, this alteration is interpreted as a disease-causing mutation.

Myriad Genetics, Inc.
Classification: Pathogenic for Lynch syndrome 5. Last evaluated: 2023-08-17. Review status: criteria provided, single submitter. Criteria: Myriad Autosomal Dominant, Autosomal Recessive and X-Linked Classification Criteria (2023). Collection method: clinical testing. Allele origin: unknown.
Comment: This variant is considered pathogenic. This variant creates a frameshift predicted to result in premature protein truncation.

GeneDx
Classification: Pathogenic. Last evaluated: 2016-12-06. Review status: criteria provided, single submitter. Criteria: GeneDx Variant Classification (06012015). Collection method: clinical testing. Allele origin: germline. Affected: yes.
Comment: This duplication of one nucleotide in MSH6 is denoted c.2665dupC at the cDNA level and p.Gln889ProfsX11 (Q889PfsX11) at the protein level. The normal sequence, with the base that is duplicated in brackets, is TAAG[dupC]AGGT. The duplication causes a frameshift, which changes a Glutamine to a Proline at codon 889 and creates a premature stop codon at position 11 of the new reading frame. Although this variant has not, to our knowledge, been reported in the literature, it is predicted to cause loss of normal protein function through either protein truncation or nonsense-mediated mRNA decay. We consider this variant to be pathogenic.